The following is an entry in ClinVar:

ClinVar aggregate classification (germline): Uncertain significance (1 of 4 stars; one submission).

Submission:

Labcorp Genetics (formerly Invitae), Labcorp
Classification: Uncertain significance. Last evaluated: 2022-02-23. Review status: criteria provided, single submitter. Criteria: Invitae Variant Classification Sherloc (09022015). Collection method: clinical testing. Allele origin: germline.
Comment: In summary, the available evidence is currently insufficient to determine the role of this variant in disease. Therefore, it has been classified as a Variant of Uncertain Significance. Algorithms developed to predict the effect of missense changes on protein structure and function output the following: SIFT: "Tolerated"; PolyPhen-2: "Benign"; Align-GVGD: "Class C0". The arginine amino acid residue is found in multiple mammalian species, which suggests that this missense change does not adversely affect protein function. This variant has not been reported in the literature in individuals affected with LRIT3-related conditions. This variant is not present in population databases (gnomAD no frequency). This sequence change replaces histidine, which is basic and polar, with arginine, which is basic and polar, at codon 250 of the LRIT3 protein (p.His250Arg).

NM_198506.5(LRIT3):c.749A>G (p.His250Arg)

Gene: LRIT3 (leucine rich repeat, Ig-like and transmembrane domains 3; plus strand). Cytogenetic location: 4q25.
Variant type: single nucleotide variant.
Coding change: c.749A>G on transcript NM_198506.5 (MANE Select); coding-DNA position 749, A replaced by G.
Protein change: p.His250Arg; replaces histidine 250 with arginine.
Molecular consequence: missense variant.
Genome position (GRCh38, 1-based): chr4:109,867,800, A>G. VCF-style: chr4-109867800-A-G. GRCh37 (hg19) VCF-style: chr4-110788956-A-G.
Other names: short protein forms H250R.
Identifiers: ClinVar variation 2102365 (VCV002102365.4), dbSNP rs2545588516, ClinGen allele CA357867572.